The following is an entry in ClinVar:

ClinVar aggregate classification (germline): Uncertain significance. Review status: criteria provided, multiple submitters, no conflicts (2 of 4 stars). 3 submissions from 3 submitters: Uncertain significance (3). Last evaluated 2025-10-21.

Submissions (3):

Ambry Genetics
Classification: Uncertain significance. Last evaluated: 2025-10-21. Review status: criteria provided, single submitter. Criteria: Ambry Variant Classification Scheme 2023. Collection method: clinical testing. Allele origin: germline.

Labcorp Genetics (formerly Invitae), Labcorp
Classification: Uncertain significance. Last evaluated: 2024-11-05. Review status: criteria provided, single submitter. Criteria: Invitae Variant Classification Sherloc (09022015). Collection method: clinical testing. Allele origin: germline.
Comment: This sequence change replaces histidine, which is basic and polar, with tyrosine, which is neutral and polar, at codon 93 of the KIZ protein (p.His93Tyr). This variant is not present in population databases (gnomAD no frequency). This variant has not been reported in the literature in individuals affected with KIZ-related conditions. ClinVar contains an entry for this variant (Variation ID: 999879). Experimental studies and prediction algorithms are not available or were not evaluated, and the functional significance of this variant is currently unknown. In summary, the available evidence is currently insufficient to determine the role of this variant in disease. Therefore, it has been classified as a Variant of Uncertain Significance.

Blueprint Genetics
Classification: Uncertain significance. Last evaluated: 2019-05-09. Review status: criteria provided, single submitter. Criteria: ACMG Guidelines, 2015. Collection method: clinical testing. Allele origin: germline.

NM_018474.6(KIZ):c.277C>T (p.His93Tyr)

Genes: KIZ (kizuna centrosomal protein; plus strand), LOC130065509 (ATAC-STARR-seq lymphoblastoid active region 17619; plus strand). Cytogenetic location: 20p11.23.
Variant type: single nucleotide variant.
Coding change: c.277C>T on transcript NM_018474.6 (MANE Select); coding-DNA position 277, C replaced by T.
Protein change: p.His93Tyr; replaces histidine 93 with tyrosine.
Molecular consequence: missense variant. On other transcripts: 5 prime UTR variant (1), intron variant (4).
Genome position (GRCh38, 1-based): chr20:21,136,514, C>T. VCF-style: chr20-21136514-C-T. GRCh37 (hg19) VCF-style: chr20-21117155-C-T.
Other names: c.277C>T (NM_018474.4); c.277C>T, p.His93Tyr (NM_001352434.2); c.-110C>T (NM_001352436.2); c.169-9051C>T (NM_001276389.2); c.6+4355C>T (NM_001163022.3, NM_001352435.2, NM_001163023.3); short protein forms H93Y.
Identifiers: ClinVar variation 999879 (VCV000999879.9), dbSNP rs901636113, ClinGen allele CA312976888.